The following is an entry in ClinVar:

ClinVar aggregate classification (germline): Uncertain significance (1 of 4 stars; one submission).

Submission:

Mayo Clinic Laboratories, Mayo Clinic
Classification: Uncertain significance. Last evaluated: 2024-09-24. Review status: criteria provided, single submitter. Criteria: ACMG Guidelines, 2015. Collection method: clinical testing. Allele origin: germline. Observed: 1 variant allele.
Comment: PP3, PM2

NM_000393.5(COL5A2):c.3659C>T (p.Pro1220Leu)

Gene: COL5A2 (collagen type V alpha 2 chain; minus strand). Cytogenetic location: 2q32.2.
Variant type: single nucleotide variant.
Coding change: c.3659C>T on transcript NM_000393.5 (MANE Select); coding-DNA position 3659, C replaced by T.
Protein change: p.Pro1220Leu; replaces proline 1220 with leucine.
Molecular consequence: missense variant.
Genome position (GRCh38, 1-based): chr2:189,039,538, G>A on the plus strand (C>T on the coding strand, the complement: COL5A2 is on the minus strand). VCF-style: chr2-189039538-G-A. GRCh37 (hg19) VCF-style: chr2-189904264-G-A.
Other names: p.Pro1220Leu; short protein forms P1220L.
Identifiers: ClinVar variation 3379400 (VCV003379400.1).
Genomic context (GRCh38, chr2:189,039,538, plus strand): 5'-TAGTGCCCCATGATATCCCCAAGAGCAGCTGTAAGGTGGCCAGGGGGACCCGGAGGGCCA[G>A]GTGGGCCAGGCTCACCAGGAGGGCCCTAATTAAAAAGAGATTGGAAAGACATTTAACACA-3'
Protein context (NP_000384.2, residues 1210-1230): PEGPPGEPGP[Pro1220Leu]GPPGPPGHLT